The following is an entry in ClinVar:

NM_022124.6(CDH23):c.7221C>A (p.Tyr2407Ter)

Gene: CDH23 (cadherin related 23; plus strand). Cytogenetic location: 10q22.1.
Variant type: single nucleotide variant.
Coding change: c.7221C>A on transcript NM_022124.6 (MANE Select); coding-DNA position 7221, C replaced by A.
Protein change: p.Tyr2407Ter; replaces tyrosine 2407 with a stop codon.
Molecular consequence: nonsense.
Genome position (GRCh38, 1-based): chr10:71,799,277, C>A. VCF-style: chr10-71799277-C-A. GRCh37 (hg19) VCF-style: chr10-73559034-C-A.
Other names: c.501C>A, p.Tyr167Ter (NM_001171933.1, NM_001171934.1); short protein forms Y167*, Y2407*.
Identifiers: ClinVar variation 1071894 (VCV001071894.9), dbSNP rs779038178, ClinGen allele CA209470178.

ClinVar aggregate classification (germline): Pathogenic (1 of 4 stars; one submission).

Submission:

Labcorp Genetics (formerly Invitae), Labcorp
Classification: Pathogenic. Last evaluated: 2020-09-05. Review status: criteria provided, single submitter. Criteria: Invitae Variant Classification Sherloc (09022015). Collection method: clinical testing. Allele origin: germline.
Comment: This sequence change creates a premature translational stop signal (p.Tyr2407*) in the CDH23 gene. It is expected to result in an absent or disrupted protein product. This variant is not present in population databases (ExAC no frequency). This variant has been observed in individual(s) with Usher syndrome (PMID: 24498627, 27032803). It has also been observed to segregate with disease in related individuals. Loss-of-function variants in CDH23 are known to be pathogenic (PMID: 11138009, 21940737). For these reasons, this variant has been classified as Pathogenic.

Literature cited by the submitters: PubMed 24498627; PubMed 27032803; PubMed 11138009; PubMed 21940737.